The following is an entry in ClinVar:

NM_001220.5(CAMK2B):c.890G>A (p.Arg297Lys)

Gene: CAMK2B (calcium/calmodulin dependent protein kinase II beta; minus strand). Cytogenetic location: 7p13.
Variant type: single nucleotide variant.
Coding change: c.890G>A on transcript NM_001220.5 (MANE Select); coding-DNA position 890, G replaced by A.
Protein change: p.Arg297Lys; replaces arginine 297 with lysine.
Molecular consequence: missense variant.
Genome position (GRCh38, 1-based): chr7:44,241,713, C>T on the plus strand (G>A on the coding strand, the complement: CAMK2B is on the minus strand). VCF-style: chr7-44241713-C-T. GRCh37 (hg19) VCF-style: chr7-44281312-C-T.
Other names: c.890G>A, p.Arg297Lys (NM_001293170.2, NM_172078.3, NM_172079.3 and 5 more transcripts); short protein forms R297K.
Identifiers: ClinVar variation 3731198 (VCV003731198.2).

ClinVar aggregate classification (germline): Uncertain significance (1 of 4 stars; one submission).

Submission:

GeneDx
Classification: Uncertain significance. Last evaluated: 2025-12-26. Review status: criteria provided, single submitter. Criteria: GeneDx Variant Classification Process June 2021. Collection method: clinical testing. Allele origin: germline.
Comment: Not observed at significant frequency in large population cohorts (gnomAD); In silico analysis supports that this missense variant has a deleterious effect on protein structure/function; Has not been previously published as pathogenic or benign to our knowledge